The following is an entry in ClinVar:

ClinVar aggregate classification (germline): Conflicting classifications of pathogenicity. Review status: criteria provided, conflicting classifications (1 of 4 stars). 2 submissions from 2 submitters: Uncertain significance (1); Likely benign (1). Last evaluated 2025-06-23.

Conditions:
Long QT syndrome (LQTS). Identifiers: MedGen C0023976, MeSH D008133, MONDO:0002442. Disease mechanism: loss of function. Inheritance: Various modes of inheritance.
Cardiovascular phenotype. Identifiers: MedGen CN230736.

Allele frequency attached by ClinVar (database versions not stated): gnomAD exomes below 0.00001; gnomAD 0.00003; TOPMed 0.00004.
gnomAD v4.1: 11 of 1,591,284 alleles (0.00069%); highest among the groups gnomAD compares: African/African-American, 0.015%; no homozygotes.

Submissions (2):

Ambry Genetics
Classification: Likely benign for Cardiovascular phenotype. Last evaluated: 2025-06-23. Review status: criteria provided, single submitter. Criteria: Ambry Variant Classification Scheme 2023. Collection method: clinical testing. Allele origin: germline.

Labcorp Genetics (formerly Invitae), Labcorp
Classification: Uncertain significance for Long QT syndrome. Last evaluated: 2025-05-30. Review status: criteria provided, single submitter. Criteria: Invitae Variant Classification Sherloc (09022015). Collection method: clinical testing. Allele origin: germline.
Comment: This sequence change replaces glutamine, which is neutral and polar, with lysine, which is basic and polar, at codon 743 of the AKAP9 protein (p.Gln743Lys). This variant is present in population databases (no rsID available, gnomAD 0.02%). This variant has not been reported in the literature in individuals affected with AKAP9-related conditions. ClinVar contains an entry for this variant (Variation ID: 2139347). An algorithm developed to predict the effect of missense changes on protein structure and function (PolyPhen-2) suggests that this variant is likely to be disruptive. In summary, the available evidence is currently insufficient to determine the role of this variant in disease. Therefore, it has been classified as a Variant of Uncertain Significance.

NM_005751.5(AKAP9):c.2227C>A (p.Gln743Lys)

Gene: AKAP9 (A-kinase anchoring protein 9; plus strand). Cytogenetic location: 7q21.2.
Variant type: single nucleotide variant.
Coding change: c.2227C>A on transcript NM_005751.5 (MANE Select); coding-DNA position 2227, C replaced by A.
Protein change: p.Gln743Lys; replaces glutamine 743 with lysine.
Molecular consequence: missense variant.
Genome position (GRCh38, 1-based): chr7:92,002,144, C>A. VCF-style: chr7-92002144-C-A. GRCh37 (hg19) VCF-style: chr7-91631458-C-A.
Other names: c.2227C>A, p.Gln743Lys (NM_147185.3); short protein forms Q743K.
Identifiers: ClinVar variation 2139347 (VCV002139347.8), dbSNP rs933536639, ClinGen allele CA161907723.
Genomic context (GRCh38, chr7:92,002,144, plus strand): 5'-GAACTTCAAAAAGAAATTGAAATACTCAGACAAGAAGAAAAAGAAAAGGGTACACTTGAA[C>A]AAGAAGTTCAAGAATTACAACTTAAAACAGAATTGTTAGAAAAACAGATGAAGGAAAAAG-3'
Protein context (NP_005742.4, residues 733-753): QEEKEKGTLE[Gln743Lys]EVQELQLKTE